The following is an entry in ClinVar:

NM_033159.4(HYAL1):c.885C>A (p.Asn295Lys)

Gene: HYAL1 (hyaluronidase 1; minus strand). Cytogenetic location: 3p21.31.
Variant type: single nucleotide variant.
Coding change: c.885C>A on transcript NM_033159.4 (MANE Select); coding-DNA position 885, C replaced by A.
Protein change: p.Asn295Lys; replaces asparagine 295 with lysine.
Molecular consequence: missense variant. On other transcripts: non-coding transcript variant (1).
Genome position (GRCh38, 1-based): chr3:50,302,072, G>T on the plus strand (C>A on the coding strand, the complement: HYAL1 is on the minus strand). VCF-style: chr3-50302072-G-T. GRCh37 (hg19) VCF-style: chr3-50339503-G-T.
Other names: c.885C>A, p.Asn295Lys (NM_153281.2, NM_153282.3); c.339C>A, p.Asn113Lys (NM_153283.3); c.108C>A, p.Asn36Lys (NM_153285.3); short protein forms N113K, N295K, N36K.
Identifiers: ClinVar variation 3702543 (VCV003702543.2).

ClinVar aggregate classification (germline): Uncertain significance (1 of 4 stars; one submission).

Conditions:
Deficiency of hyaluronoglucosaminidase (MPS9). Also called: Mucopolysaccharidosis type 9; HYALURONIDASE DEFICIENCY; MPS IX. Identifiers: Orphanet 67041, MedGen C1291490, MONDO:0011093, OMIM 601492.

gnomAD v4.1: 1 of 1,614,226 alleles (0.000062%); highest among the groups gnomAD compares: Non-Finnish European, 0.000085%; no homozygotes.

Submission:

Labcorp Genetics (formerly Invitae), Labcorp
Classification: Uncertain significance for Deficiency of hyaluronoglucosaminidase. Last evaluated: 2024-11-05. Review status: criteria provided, single submitter. Criteria: Invitae Variant Classification Sherloc (09022015). Collection method: clinical testing. Allele origin: germline.
Comment: This sequence change replaces asparagine, which is neutral and polar, with lysine, which is basic and polar, at codon 295 of the HYAL1 protein (p.Asn295Lys). This variant is present in population databases (no rsID available, gnomAD 0.0009%). This variant has not been reported in the literature in individuals affected with HYAL1-related conditions. An algorithm developed to predict the effect of missense changes on protein structure and function (PolyPhen-2) suggests that this variant is likely to be tolerated. In summary, the available evidence is currently insufficient to determine the role of this variant in disease. Therefore, it has been classified as a Variant of Uncertain Significance.